The following is an entry in ClinVar:

ClinVar aggregate classification (germline): Pathogenic (1 of 4 stars; one submission).

Submission:

Labcorp Genetics (formerly Invitae), Labcorp
Classification: Pathogenic. Last evaluated: 2022-08-22. Review status: criteria provided, single submitter. Criteria: Invitae Variant Classification Sherloc (09022015). Collection method: clinical testing. Allele origin: germline.
Comment: This variant has not been reported in the literature in individuals affected with RP1-related conditions. This variant is not present in population databases (gnomAD no frequency). This sequence change creates a premature translational stop signal (p.Lys1139Argfs*4) in the RP1 gene. While this is not anticipated to result in nonsense mediated decay, it is expected to disrupt the last 1018 amino acid(s) of the RP1 protein. This variant disrupts the C-terminus of the RP1 protein. Many variants that disrupt this region have been reported in individuals with either autosomal dominant or autosomal recessive retinitis pigmentosa (PMID: 11527933, 19933189, 29425069, 30027431, 33681214). Therefore, variants that disrupt this region are expected to be disease-causing. For these reasons, this variant has been classified as Pathogenic.

Literature cited by the submitters: PubMed 11527933; PubMed 19933189; PubMed 29425069; PubMed 30027431; PubMed 33681214.

NM_006269.2(RP1):c.3416del (p.Lys1139fs)

Gene: RP1 (RP1 axonemal microtubule associated; plus strand). Cytogenetic location: 8q12.1.
Variant type: Deletion.
Coding change: c.3416del on transcript NM_006269.2 (MANE Select); coding-DNA position 3416, one base deleted (A; older notation c.3416delA).
Protein change: p.Lys1139fs; shifts the reading frame from lysine 1139.
Molecular consequence: frameshift variant. On other transcripts: intron variant (1).
Genome position (GRCh38, 1-based): chr8:54,627,298, A deleted; the last of 3 consecutive A bases (chr8:54,627,296-54,627,298); deleting any one gives the same sequence. VCF-style (leftmost placement, unchanged base first): chr8-54627295-TA-T. GRCh37 (hg19) VCF-style: chr8-55539855-TA-T.
Other names: c.787+5010del (NM_001375654.1); short protein forms K1139fs.
Identifiers: ClinVar variation 2083999 (VCV002083999.4), dbSNP rs2536579110, ClinGen allele CA2580078408.